The following is an entry in ClinVar:

ClinVar aggregate classification (germline): Uncertain significance. Review status: criteria provided, multiple submitters, no conflicts (2 of 4 stars). 2 submissions from 2 submitters: Uncertain significance (2). Last evaluated 2025-07-09.

Allele frequency attached by ClinVar (database versions not stated): gnomAD exomes 0.00001 and 0.00002; ExAC 0.00002; TOPMed 0.00002; gnomAD 0.00003; ESP Exome Variant Server 0.00015.
gnomAD v4.1: 19 of 1,613,638 alleles (0.0012%); highest among the groups gnomAD compares: Non-Finnish European, 0.0016%; no homozygotes.

Submissions (2):

Women's Health and Genetics/Laboratory Corporation of America, LabCorp
Classification: Uncertain significance. Last evaluated: 2025-07-09. Review status: criteria provided, single submitter. Criteria: LabCorp Variant Classification Summary - May 2015. Collection method: clinical testing. Allele origin: germline.
Comment: Variant summary: AEBP1 c.1324C>G (p.Gln442Glu) results in a conservative amino acid change in the encoded protein sequence. Algorithms developed to predict the effect of missense changes on protein structure and function are either unavailable or do not agree on the potential impact of this missense change. The variant allele was found at a frequency of 2.4e-05 in 250918 control chromosomes. The available data on variant occurrences in the general population are insufficient to allow any conclusion about variant significance. To our knowledge, no occurrence of c.1324C>G in individuals affected with Ehlers-Danlos syndrome, classic-like, 2 and no experimental evidence demonstrating its impact on protein function have been reported. ClinVar contains an entry for this variant (Variation ID: 1383083). Based on the evidence outlined above, the variant was classified as uncertain significance.

Labcorp Genetics (formerly Invitae), Labcorp
Classification: Uncertain significance. Last evaluated: 2022-04-19. Review status: criteria provided, single submitter. Criteria: Invitae Variant Classification Sherloc (09022015). Collection method: clinical testing. Allele origin: germline.
Comment: This sequence change replaces glutamine, which is neutral and polar, with glutamic acid, which is acidic and polar, at codon 442 of the AEBP1 protein (p.Gln442Glu). This variant is present in population databases (rs370857030, gnomAD 0.006%). This variant has not been reported in the literature in individuals affected with AEBP1-related conditions. Algorithms developed to predict the effect of missense changes on protein structure and function are either unavailable or do not agree on the potential impact of this missense change (SIFT: "Deleterious"; PolyPhen-2: "Possibly Damaging"; Align-GVGD: "Class C0"). In summary, the available evidence is currently insufficient to determine the role of this variant in disease. Therefore, it has been classified as a Variant of Uncertain Significance.

NM_001129.5(AEBP1):c.1324C>G (p.Gln442Glu)

Gene: AEBP1 (AE binding protein 1; plus strand). Cytogenetic location: 7p13.
Variant type: single nucleotide variant.
Coding change: c.1324C>G on transcript NM_001129.5 (MANE Select); coding-DNA position 1324, C replaced by G.
Protein change: p.Gln442Glu; replaces glutamine 442 with glutamic acid.
Molecular consequence: missense variant.
Genome position (GRCh38, 1-based): chr7:44,110,270, C>G. VCF-style: chr7-44110270-C-G. GRCh37 (hg19) VCF-style: chr7-44149869-C-G.
Other names: short protein forms Q442E.
Identifiers: ClinVar variation 1383083 (VCV001383083.6), dbSNP rs370857030, ClinGen allele CA4237857.